The following is an entry in ClinVar:

ClinVar aggregate classification (germline): Pathogenic. Review status: criteria provided, multiple submitters, no conflicts (2 of 4 stars). 6 submissions from 6 submitters: Pathogenic (3). 3 of the submissions do not count toward it. Last evaluated 2022-10-07.

Conditions:
Vitamin D hydroxylation-deficient rickets, type 1B. Also called: Rickets due to Defect in Vitamin D 25-hydroxylation; PSEUDOVITAMIN D3 DEFICIENCY RICKETS DUE TO 25-HYDROXYLASE DEFICIENCY; VITAMIN D-DEPENDENT RICKETS, TYPE 1B. Identifiers: Orphanet 289157, MedGen C1838657, MONDO:0010810, OMIM 600081.
CYP2R1-related disorder. Also called: CYP2R1-related condition.

Submissions (6):

GeneDx
Classification: Pathogenic. Last evaluated: 2022-10-07. Review status: criteria provided, single submitter. Criteria: GeneDx Variant Classification Process June 2021. Collection method: clinical testing. Allele origin: germline. Affected: yes.
Comment: Frameshift variant predicted to result in protein truncation or nonsense mediated decay in a gene for which loss-of-function is a known mechanism of disease; Not observed at significant frequency in large population cohorts (gnomAD); This variant is associated with the following publications: (PMID: 30919572, 22855339)

Fulgent Genetics
Classification: Pathogenic for Vitamin D hydroxylation-deficient rickets, type 1B. Last evaluated: 2021-07-07. Review status: criteria provided, single submitter. Criteria: ACMG Guidelines, 2015. Collection method: clinical testing. Allele origin: unknown.

Revvity Omics, Revvity
Classification: Pathogenic for Vitamin D hydroxylation-deficient rickets, type 1B. Last evaluated: 2020-03-19. Review status: criteria provided, single submitter. Criteria: ACMG Guidelines, 2015. Collection method: clinical testing. Allele origin: germline.

PreventionGenetics, part of Exact Sciences
Classification: Pathogenic for CYP2R1-related condition. Last evaluated: 2024-03-26. Review status: no assertion criteria provided. Collection method: clinical testing. Allele origin: germline. Not counted in ClinVar's aggregate classification.
Comment: The CYP2R1 c.768dupT variant is predicted to result in a frameshift and premature protein termination (p.Leu257Serfs*6). This variant has been reported in the compound heterozygous state with a CYP2R1 splice variant in two siblings with 25-hydroxyvitamin D deficiency (Al Mutair et al. 2012. PubMed ID: 22855339). The c.768dupT variant has also been reported in the compound heterozygous or homozygous state in many additional individuals with clinical features of 25-hydroxyvitamin D deficiency (Reported as p.L257fsX6 in Al-Dewik et al. 2019. PubMed ID: 30919572; Bakhamis et al. 2021. PubMed ID: 34137732). This variant is reported in 0.011% of alleles in individuals of African descent in gnomAD. Frameshift variants in CYP2R1 are expected to be pathogenic. This variant is interpreted as pathogenic.

OMIM
Classification: Pathogenic for VITAMIN D HYDROXYLATION-DEFICIENT RICKETS, TYPE 1B. Last evaluated: 2012-10-01. Review status: no assertion criteria provided. Collection method: literature only. Allele origin: germline. Not counted in ClinVar's aggregate classification.

Genomic Medicine Center of Excellence, King Faisal Specialist Hospital and Research Centre
Classification: Uncertain significance for Vitamin D hydroxylation-deficient rickets, type 1B. Last evaluated: 2024-03-25. Review status: flagged submission. Criteria: ACMG Guidelines, 2015. Collection method: clinical testing. Allele origin: germline. Not counted in ClinVar's aggregate classification.
ClinVar note: Reason: Outlier claim with insufficient supporting evidence

Literature cited by the submitters: PubMed 22855339 (cited by OMIM).

NM_024514.5(CYP2R1):c.768dup (p.Leu257fs)

Genes: CYP2R1 (cytochrome P450 family 2 subfamily R member 1; minus strand), PDE3B (phosphodiesterase 3B; plus strand). Cytogenetic location: 11p15.2.
Variant type: Duplication.
Coding change: c.768dup on transcript NM_024514.5 (MANE Select); coding-DNA position 768, one base duplicated (T; older notation c.768dupT).
Protein change: p.Leu257fs; shifts the reading frame from leucine 257.
Molecular consequence: frameshift variant.
Genome position (GRCh38, 1-based): chr11:14,880,368, A duplicated on the plus strand (T on the coding strand, the reverse complement: CYP2R1 is on the minus strand); the first of 4 consecutive A bases (chr11:14,880,368-14,880,371); duplicating any one gives the same sequence. VCF-style (leftmost placement, unchanged base first): chr11-14880367-G-GA. GRCh37 (hg19) VCF-style: chr11-14901913-G-GA.
Other names: c.423dup, p.Leu142fs (NM_001377214.1, NM_001377215.1, NM_001377216.1 and 1 more transcripts); c.606dup, p.Leu203fs (NM_001377217.1); c.768dup (NM_024514.4); short protein forms L142fs, L203fs, L257fs.
Identifiers: ClinVar variation 977185 (VCV000977185.12), dbSNP rs1422405747, ClinGen allele CA473358652.
Genomic context (GRCh38, chr11:14,880,367, plus strand): 5'-CAAAATGCTGAGGTAGCTGAGGCTTTCTGTTGACTGAAGCTTTTTCAATGAGTCTGGAGA[G>GA]AAAATCATAGACTACAGCTGCATTTCTAAACAGCTGTTGATGTTTTCCAAAAGGCAGGAT-3'